The following is an entry in ClinVar:

ClinVar aggregate classification (germline): Benign. Review status: criteria provided, multiple submitters, no conflicts (2 of 4 stars). 2 submissions from 2 submitters: Benign (2). Last evaluated 2018-06-16.

Allele frequency attached by ClinVar (database versions not stated): gnomAD 0.39597 and 0.38670; 1000 Genomes Project 30x 0.39022; TOPMed 0.38111; 1000 Genomes Project 0.39377.
gnomAD v4.1: 60,440 of 152,216 alleles (40%); highest among the groups gnomAD compares: South Asian, 55%; 14,191 homozygotes.

Submissions (2):

GeneDx
Classification: Benign. Last evaluated: 2018-06-16. Review status: criteria provided, single submitter. Criteria: GeneDx Variant Classification (06012015). Collection method: clinical testing. Allele origin: germline. Affected: yes.
Comment: This variant is considered likely benign or benign based on one or more of the following criteria: it is a conservative change, it occurs at a poorly conserved position in the protein, it is predicted to be benign by multiple in silico algorithms, and/or has population frequency not consistent with disease.

Breakthrough Genomics
Classification: Benign. Review status: criteria provided, single submitter. Criteria: ACMG Guidelines, 2015. Collection method: not provided. Allele origin: germline. Inheritance: Autosomal recessive inheritance. Affected: yes.

NM_145693.2(LPIN1):c.-32708T>C

Gene: LPIN1 (lipin 1; plus strand). Cytogenetic location: 2p25.1.
Variant type: single nucleotide variant.
Coding change: c.-32708T>C on transcript NM_145693.2; 32708 bases upstream of the start codon, T replaced by C.
Molecular consequence: intron variant (on NM_001261428.3).
Genome position (GRCh38, 1-based): chr2:11,713,973, T>C. VCF-style: chr2-11713973-T-C. GRCh37 (hg19) VCF-style: chr2-11854099-T-C.
Other names: c.138+161T>C (NM_001261428.3, NM_001349208.2); c.81+36245T>C (NM_001349207.2).
Identifiers: ClinVar variation 683085 (VCV000683085.4), dbSNP rs4668739, ClinGen allele CA11108528.